The following is an entry in ClinVar:

ClinVar aggregate classification (germline): Uncertain significance (1 of 4 stars; one submission).

gnomAD v4.1: 2 of 1,613,268 alleles (0.00012%); highest among the groups gnomAD compares: Non-Finnish European, 0.00017%; no homozygotes.

Submission:

Labcorp Genetics (formerly Invitae), Labcorp
Classification: Uncertain significance. Last evaluated: 2022-04-17. Review status: criteria provided, single submitter. Criteria: Invitae Variant Classification Sherloc (09022015). Collection method: clinical testing. Allele origin: germline.
Comment: This sequence change replaces alanine, which is neutral and non-polar, with serine, which is neutral and polar, at codon 914 of the PRPF6 protein (p.Ala914Ser). This variant is not present in population databases (gnomAD no frequency). This variant has not been reported in the literature in individuals affected with PRPF6-related conditions. Algorithms developed to predict the effect of missense changes on protein structure and function (SIFT, PolyPhen-2, Align-GVGD) all suggest that this variant is likely to be tolerated. In summary, the available evidence is currently insufficient to determine the role of this variant in disease. Therefore, it has been classified as a Variant of Uncertain Significance.

NM_012469.4(PRPF6):c.2740G>T (p.Ala914Ser)

Gene: PRPF6 (pre-mRNA processing factor 6; plus strand). Cytogenetic location: 20q13.33.
Variant type: single nucleotide variant.
Coding change: c.2740G>T on transcript NM_012469.4 (MANE Select); coding-DNA position 2740, G replaced by T.
Protein change: p.Ala914Ser; replaces alanine 914 with serine.
Molecular consequence: missense variant.
Genome position (GRCh38, 1-based): chr20:64,032,907, G>T. VCF-style: chr20-64032907-G-T. GRCh37 (hg19) VCF-style: chr20-62664260-G-T.
Other names: short protein forms A914S.
Identifiers: ClinVar variation 1925511 (VCV001925511.5), dbSNP rs538462570, ClinGen allele CA409748214.